The following is an entry in ClinVar:

NM_001197104.2(KMT2A):c.7648C>T (p.Pro2550Ser)

Gene: KMT2A (lysine methyltransferase 2A; plus strand). Cytogenetic location: 11q23.3.
Variant type: single nucleotide variant.
Coding change: c.7648C>T on transcript NM_001197104.2 (MANE Select); coding-DNA position 7648, C replaced by T.
Protein change: p.Pro2550Ser; replaces proline 2550 with serine.
Molecular consequence: missense variant.
Genome position (GRCh38, 1-based): chr11:118,503,540, C>T. VCF-style: chr11-118503540-C-T. GRCh37 (hg19) VCF-style: chr11-118374255-C-T.
Other names: c.7738C>T, p.Pro2580Ser (NM_001412597.1); c.7639C>T, p.Pro2547Ser (NM_005933.4); short protein forms P2547S, P2550S, P2580S.
Identifiers: ClinVar variation 2442691 (VCV002442691.2), dbSNP rs1555046723, ClinGen allele CA382806333.

ClinVar aggregate classification (germline): Uncertain significance (1 of 4 stars; one submission).

Allele frequency attached by ClinVar (database versions not stated): gnomAD exomes below 0.00001; gnomAD 0.00001.
gnomAD v4.1: 2 of 1,613,992 alleles (0.00012%); highest among the groups gnomAD compares: African/African-American, 0.0027%; no homozygotes.

Submission:

GeneDx
Classification: Uncertain significance. Last evaluated: 2023-12-28. Review status: criteria provided, single submitter. Criteria: GeneDx Variant Classification Process June 2021. Collection method: clinical testing. Allele origin: germline. Affected: yes.
Comment: In silico analysis supports that this missense variant does not alter protein structure/function; Has not been previously published as pathogenic or benign to our knowledge